The following is an entry in ClinVar:

ClinVar aggregate classification (germline): Uncertain significance (1 of 4 stars; one submission).

Conditions:
Amyotrophic lateral sclerosis type 1 (ALS1). Also called: AMYOTROPHIC LATERAL SCLEROSIS 1, FAMILIAL. Identifiers: Orphanet 803, MedGen C1862939, MONDO:0007103, OMIM 105400.
Neuronopathy, distal hereditary motor, type 7B. Also called: HMN VIIB; LOWER MOTOR NEURON DISEASE, DYNACTIN TYPE; NEURONOPATHY, DISTAL HEREDITARY MOTOR, AUTOSOMAL DOMINANT 14; NEURONOPATHY, DISTAL HEREDITARY MOTOR, HARDING TYPE VIIB; NEUROPATHY, DISTAL HEREDITARY MOTOR, HARDING TYPE VIIB; NEUROPATHY, DISTAL HEREDITARY MOTOR, WITH VOCAL CORD PARALYSIS, HARDING TYPE VIIB. Identifiers: Orphanet 139589, MedGen C1843315, MONDO:0011879, OMIM 607641.
Perry syndrome. Also called: PARKINSONISM WITH ALVEOLAR HYPOVENTILATION AND MENTAL DEPRESSION. Identifiers: Orphanet 178509, MedGen C1868594, MONDO:0008201, OMIM 168605.

Submission:

Labcorp Genetics (formerly Invitae), Labcorp
Classification: Uncertain significance for Amyotrophic lateral sclerosis type 1; Neuronopathy, distal hereditary motor, type 7B; Perry syndrome. Last evaluated: 2024-04-30. Review status: criteria provided, single submitter. Criteria: Invitae Variant Classification Sherloc (09022015). Collection method: clinical testing. Allele origin: germline.
Comment: This sequence change affects codon 876 of the DCTN1 mRNA. It is a 'silent' change, meaning that it does not change the encoded amino acid sequence of the DCTN1 protein. This variant also falls at the last nucleotide of exon 22, which is part of the consensus splice site for this exon. This variant is not present in population databases (gnomAD no frequency). This variant has not been reported in the literature in individuals affected with DCTN1-related conditions. Variants that disrupt the consensus splice site are a relatively common cause of aberrant splicing (PMID: 17576681, 9536098). Algorithms developed to predict the effect of sequence changes on RNA splicing suggest that this variant may disrupt the consensus splice site. In summary, the available evidence is currently insufficient to determine the role of this variant in disease. Therefore, it has been classified as a Variant of Uncertain Significance.

Literature cited by the submitters: PubMed 17576681; PubMed 9536098.

NM_004082.5(DCTN1):c.2628G>A (p.Gln876=)

Gene: DCTN1 (dynactin subunit 1; minus strand). Cytogenetic location: 2p13.1.
Variant type: single nucleotide variant.
Coding change: c.2628G>A on transcript NM_004082.5 (MANE Select); coding-DNA position 2628, G replaced by A.
Protein change: p.Gln876=; no amino-acid change (glutamine 876 retained).
Molecular consequence: synonymous variant. On other transcripts: non-coding transcript variant (1).
Genome position (GRCh38, 1-based): chr2:74,366,459, C>T on the plus strand (G>A on the coding strand, the complement: DCTN1 is on the minus strand). VCF-style: chr2-74366459-C-T. GRCh37 (hg19) VCF-style: chr2-74593586-C-T.
Other names: c.2568G>A, p.Gln856= (NM_001135040.3); c.2226G>A, p.Gln742= (NM_001135041.3, NM_023019.4); c.2517G>A, p.Gln839= (NM_001190836.2); c.2607G>A, p.Gln869= (NM_001190837.2); c.2577G>A, p.Gln859= (NM_001378991.1); c.2559G>A, p.Gln853= (NM_001378992.1).
Identifiers: ClinVar variation 3758115 (VCV003758115.2).